The following is an entry in ClinVar:

NM_001042492.3(NF1):c.5176C>T (p.Leu1726=)

Gene: NF1 (neurofibromin 1; plus strand). Cytogenetic location: 17q11.2.
Variant type: single nucleotide variant.
Coding change: c.5176C>T on transcript NM_001042492.3 (MANE Select); coding-DNA position 5176, C replaced by T.
Protein change: p.Leu1726=; no amino-acid change (leucine 1726 retained).
Molecular consequence: synonymous variant.
Genome position (GRCh38, 1-based): chr17:31,326,160, C>T. VCF-style: chr17-31326160-C-T. GRCh37 (hg19) VCF-style: chr17-29653178-C-T.
Other names: c.5113C>T, p.Leu1705= (NM_000267.4).
Identifiers: ClinVar variation 2579314 (VCV002579314.1), dbSNP rs2151538806, ClinGen allele CA499233186.

ClinVar aggregate classification (germline): Uncertain significance (1 of 4 stars; one submission).

Submission:

GeneDx
Classification: Uncertain significance. Last evaluated: 2023-09-11. Review status: criteria provided, single submitter. Criteria: GeneDx Variant Classification Process June 2021. Collection method: clinical testing. Allele origin: germline. Affected: yes.
Comment: Not observed at significant frequency in large population cohorts (gnomAD); In silico analysis supports that this variant does not alter splicing; Has not been previously published as pathogenic or benign to our knowledge